The following is an entry in ClinVar:

NM_003482.4(KMT2D):c.15250C>A (p.Leu5084Met)

Gene: KMT2D (lysine methyltransferase 2D; minus strand). Cytogenetic location: 12q13.12.
Variant type: single nucleotide variant.
Coding change: c.15250C>A on transcript NM_003482.4 (MANE Select); coding-DNA position 15250, C replaced by A.
Protein change: p.Leu5084Met; replaces leucine 5084 with methionine.
Molecular consequence: missense variant.
Genome position (GRCh38, 1-based): chr12:49,026,716, G>T on the plus strand (C>A on the coding strand, the complement: KMT2D is on the minus strand). VCF-style: chr12-49026716-G-T. GRCh37 (hg19) VCF-style: chr12-49420499-G-T.
Other names: short protein forms L5084M.
Identifiers: ClinVar variation 3535544 (VCV003535544.2).

ClinVar aggregate classification (germline): Uncertain significance. Review status: criteria provided, multiple submitters, no conflicts (2 of 4 stars). 2 submissions from 2 submitters: Uncertain significance (2). Last evaluated 2024-12-16.

Conditions:
Inborn genetic diseases. Identifiers: MedGen C0950123, MeSH D030342.
KMT2D-related disorder. Also called: KMT2D-Related Disorders.

Submissions (2):

PreventionGenetics, part of Exact Sciences
Classification: Uncertain significance for KMT2D-related condition. Last evaluated: 2024-12-16. Review status: criteria provided, single submitter. Criteria: ACMG Guidelines, 2015. Collection method: clinical testing. Allele origin: germline.
Comment: The KMT2D c.15250C>A variant is predicted to result in the amino acid substitution p.Leu5084Met. To our knowledge, this variant has not been reported in the literature or in a large population database (gnomAD), indicating this variant is rare. At this time, the clinical significance of this variant is uncertain due to the absence of conclusive functional and genetic evidence.

Ambry Genetics
Classification: Uncertain significance for Inborn genetic diseases. Last evaluated: 2024-11-25. Review status: criteria provided, single submitter. Criteria: Ambry Variant Classification Scheme 2023. Collection method: clinical testing. Allele origin: germline.